The following is an entry in ClinVar:

NM_031935.3(HMCN1):c.9572G>T (p.Arg3191Leu)

Gene: HMCN1 (hemicentin 1; plus strand). Cytogenetic location: 1q31.1.
Variant type: single nucleotide variant.
Coding change: c.9572G>T on transcript NM_031935.3 (MANE Select); coding-DNA position 9572, G replaced by T.
Protein change: p.Arg3191Leu; replaces arginine 3191 with leucine.
Molecular consequence: missense variant.
Genome position (GRCh38, 1-based): chr1:186,088,271, G>T. VCF-style: chr1-186088271-G-T. GRCh37 (hg19) VCF-style: chr1-186057403-G-T.
Other names: short protein forms R3191L.
Identifiers: ClinVar variation 2096504 (VCV002096504.4), dbSNP rs368825571, ClinGen allele CA1293463.

ClinVar aggregate classification (germline): Uncertain significance (1 of 4 stars; one submission).

gnomAD v4.1: 2 of 1,612,530 alleles (0.00012%); highest among the groups gnomAD compares: South Asian, 0.0011%; no homozygotes.

Submission:

Labcorp Genetics (formerly Invitae), Labcorp
Classification: Uncertain significance. Last evaluated: 2022-07-19. Review status: criteria provided, single submitter. Criteria: Invitae Variant Classification Sherloc (09022015). Collection method: clinical testing. Allele origin: germline.
Comment: In summary, the available evidence is currently insufficient to determine the role of this variant in disease. Therefore, it has been classified as a Variant of Uncertain Significance. Algorithms developed to predict the effect of missense changes on protein structure and function (SIFT, PolyPhen-2, Align-GVGD) all suggest that this variant is likely to be tolerated. This variant has not been reported in the literature in individuals affected with HMCN1-related conditions. This variant is present in population databases (rs368825571, gnomAD 0.003%). This sequence change replaces arginine, which is basic and polar, with leucine, which is neutral and non-polar, at codon 3191 of the HMCN1 protein (p.Arg3191Leu).